The following is an entry in ClinVar:

NM_000447.3(PSEN2):c.215C>T (p.Pro72Leu)

Gene: PSEN2 (presenilin 2; plus strand). Cytogenetic location: 1q42.13.
Variant type: single nucleotide variant.
Coding change: c.215C>T on transcript NM_000447.3 (MANE Select); coding-DNA position 215, C replaced by T.
Protein change: p.Pro72Leu; replaces proline 72 with leucine.
Molecular consequence: missense variant.
Genome position (GRCh38, 1-based): chr1:226,883,778, C>T. VCF-style: chr1-226883778-C-T. GRCh37 (hg19) VCF-style: chr1-227071479-C-T.
Other names: c.215C>T, p.Pro72Leu (NM_001437537.1, NM_012486.3); short protein forms P72L.
Identifiers: ClinVar variation 4701671 (VCV004701671.1).

ClinVar aggregate classification (germline): Uncertain significance (1 of 4 stars; one submission).

Conditions:
Alzheimer disease 4 (AD4). Identifiers: Orphanet 1020, MedGen C1847200, MONDO:0011743, OMIM 606889.

gnomAD v4.1: 10 of 1,614,014 alleles (0.00062%); highest among the groups gnomAD compares: African/African-American, 0.004%; no homozygotes.

Submission:

Labcorp Genetics (formerly Invitae), Labcorp
Classification: Uncertain significance for Alzheimer disease 4. Last evaluated: 2025-08-13. Review status: criteria provided, single submitter. Criteria: Invitae Variant Classification Sherloc (09022015). Collection method: clinical testing. Allele origin: germline.
Comment: This sequence change replaces proline, which is neutral and non-polar, with leucine, which is neutral and non-polar, at codon 72 of the PSEN2 protein (p.Pro72Leu). This variant is present in population databases (rs369622085, gnomAD 0.008%). This variant has not been reported in the literature in individuals affected with PSEN2-related conditions. An algorithm developed to predict the effect of missense changes on protein structure and function outputs the following: PolyPhen-2: "Benign". The leucine amino acid residue is found in multiple mammalian species, which suggests that this missense change does not adversely affect protein function. In summary, the available evidence is currently insufficient to determine the role of this variant in disease. Therefore, it has been classified as a Variant of Uncertain Significance.